The following is an entry in ClinVar:

NM_000059.4(BRCA2):c.8000G>A (p.Ser2667Asn)

Gene: BRCA2 (BRCA2 DNA repair associated; plus strand). Cytogenetic location: 13q13.1.
Variant type: single nucleotide variant.
Coding change: c.8000G>A on transcript NM_000059.4 (MANE Select); coding-DNA position 8000, G replaced by A.
Protein change: p.Ser2667Asn; replaces serine 2667 with asparagine.
Molecular consequence: missense variant. On other transcripts: non-coding transcript variant (1).
Genome position (GRCh38, 1-based): chr13:32,363,202, G>A. VCF-style: chr13-32363202-G-A. GRCh37 (hg19) VCF-style: chr13-32937339-G-A.
Other names: c.7904G>A, p.Ser2635Asn (NM_001406719.1); c.8000G>A, p.Ser2667Asn (NM_001406720.1); c.3068G>A, p.Ser1023Asn (NM_001406721.1); c.1583G>A, p.Ser528Asn (NM_001406722.1); short protein forms S1023N, S2635N, S2667N, S528N.
Identifiers: ClinVar variation 3071725 (VCV003071725.2), dbSNP rs2137579776, ClinGen allele CA387748646.

ClinVar aggregate classification (germline): Conflicting classifications of pathogenicity. Review status: criteria provided, conflicting classifications (1 of 4 stars). 2 submissions from 2 submitters: Uncertain significance (1); Likely benign (1). Last evaluated 2026-02-19.

Conditions:
Hereditary cancer-predisposing syndrome. Also called: Neoplastic Syndromes, Hereditary; Tumor predisposition; Hereditary Cancer Syndrome; Hereditary neoplastic syndrome. Identifiers: Orphanet 140162, MedGen C0027672, MeSH D009386, MONDO:0015356.
Breast-ovarian cancer, familial, susceptibility to, 2 (BROVCA2). Also called: BRCA2 Hereditary Breast and Ovarian Cancer. Identifiers: Orphanet 145, MedGen C2675520, MONDO:0012933, OMIM 612555. Disease mechanism: loss of function.

Submissions (2):

Ambry Genetics
Classification: Likely benign for Hereditary cancer-predisposing syndrome. Last evaluated: 2026-02-19. Review status: criteria provided, single submitter. Criteria: Ambry Variant Classification Scheme 2023. Collection method: clinical testing. Allele origin: germline.

All of Us Research Program, National Institutes of Health
Classification: Uncertain significance for Breast-ovarian cancer, familial, susceptibility to, 2. Last evaluated: 2023-06-28. Review status: criteria provided, single submitter. Criteria: ACMG Guidelines, 2015. Collection method: clinical testing. Allele origin: germline. Inheritance: Autosomal dominant inheritance. Observed: 1 variant allele, 1 heterozygote.
Comment: This study involves interpretation of variants in research participants for the purpose of population health screening. Participant phenotype was not available at the time of variant classification. Additional details can be found in publication PMID: 35346344, PMCID: PMC8962531